The following is an entry in ClinVar:

NM_004656.4(BAP1):c.1628G>C (p.Cys543Ser)

Gene: BAP1 (BRCA1 associated deubiquitinase 1; minus strand). Cytogenetic location: 3p21.1.
Variant type: single nucleotide variant.
Coding change: c.1628G>C on transcript NM_004656.4 (MANE Select); coding-DNA position 1628, G replaced by C.
Protein change: p.Cys543Ser; replaces cysteine 543 with serine.
Molecular consequence: missense variant.
Genome position (GRCh38, 1-based): chr3:52,403,517, C>G on the plus strand (G>C on the coding strand, the complement: BAP1 is on the minus strand). VCF-style: chr3-52403517-C-G. GRCh37 (hg19) VCF-style: chr3-52437533-C-G.
Other names: c.1574G>C, p.Cys525Ser (NM_001410772.1); short protein forms C525S, C543S.
Identifiers: ClinVar variation 4620683 (VCV004620683.1).
Genomic context (GRCh38, chr3:52,403,517, plus strand): 5'-TGCAGCAGGCCTGTGCTGATGACAGGACCCAGATCACGGACAGCACGGTTGTAGCGTATG[C>G]AGTCAACACGCAGCAGGCTGTCATCCTCTCCAAAAAGCACCTTGGAGATGTGGGAGGTGA-3'
Protein context (NP_004647.1, residues 533-553): GEDDSLLRVD[Cys543Ser]IRYNRAVRDL

ClinVar aggregate classification (germline): Uncertain significance (1 of 4 stars; one submission).

Conditions:
Hereditary cancer-predisposing syndrome. Also called: Neoplastic Syndromes, Hereditary; Tumor predisposition; Hereditary Cancer Syndrome; Hereditary neoplastic syndrome. Identifiers: Orphanet 140162, MedGen C0027672, MeSH D009386, MONDO:0015356.

Submission:

Ambry Genetics
Classification: Uncertain significance for Hereditary cancer-predisposing syndrome. Last evaluated: 2025-11-09. Review status: criteria provided, single submitter. Criteria: Ambry Variant Classification Scheme 2023. Collection method: clinical testing. Allele origin: germline.
Comment: The p.C543S variant (also known as c.1628G>C), located in coding exon 13 of the BAP1 gene, results from a G to C substitution at nucleotide position 1628. The cysteine at codon 543 is replaced by serine, an amino acid with dissimilar properties. This amino acid position is conserved. In addition, this alteration is predicted to be tolerated by in silico analysis. Based on the available evidence, the clinical significance of this variant remains unclear.